The following is an entry in ClinVar:

NM_000128.4(F11):c.157C>T (p.His53Tyr)

Gene: F11 (coagulation factor XI; plus strand). Cytogenetic location: 4q35.2.
Variant type: single nucleotide variant.
Coding change: c.157C>T on transcript NM_000128.4 (MANE Select); coding-DNA position 157, C replaced by T.
Protein change: p.His53Tyr; replaces histidine 53 with tyrosine.
Molecular consequence: missense variant.
Genome position (GRCh38, 1-based): chr4:186,271,710, C>T. VCF-style: chr4-186271710-C-T. GRCh37 (hg19) VCF-style: chr4-187192864-C-T.
Other names: c.157C>T, p.His53Tyr (NM_001354804.2); short protein forms H53Y.
Identifiers: ClinVar variation 3769443 (VCV003769443.2).

ClinVar aggregate classification (germline): Likely pathogenic (1 of 4 stars; one submission).

Conditions:
Hereditary factor XI deficiency disease. Also called: PLASMA THROMBOPLASTIN ANTECEDENT DEFICIENCY; PTA DEFICIENCY; ROSENTHAL SYNDROME; Congenital factor XI deficiency. Identifiers: Orphanet 329, MedGen C0015523, MeSH D005173, MONDO:0012897, OMIM 612416.

gnomAD v4.1: 5 of 1,614,192 alleles (0.00031%); highest among the groups gnomAD compares: South Asian, 0.0011%; no homozygotes.

Submission:

Women's Health and Genetics/Laboratory Corporation of America, LabCorp
Classification: Likely pathogenic for Hereditary factor XI deficiency disease. Last evaluated: 2025-01-24. Review status: criteria provided, single submitter. Criteria: LabCorp Variant Classification Summary - May 2015. Collection method: clinical testing. Allele origin: germline.
Comment: Variant summary: F11 c.157C>T (p.His53Tyr) results in a conservative amino acid change in the encoded protein sequence. Four of five in-silico tools predict a damaging effect of the variant on protein function. The variant allele was found at a frequency of 4e-06 in 251458 control chromosomes (gnomAD). c.157C>T has been reported in the literature in individuals affected with Hereditary factor XI deficiency disease, both in the heterozygous and the compound heterozygous state (Pshenichnikova_2022, de Mazancourt_2023). These data indicate that the variant is likely to be associated with disease. To our knowledge, no experimental evidence demonstrating an impact on protein function has been reported. The following publication has been ascertained in the context of this evaluation (PMID: 37252892). No submitters have cited clinical-significance assessments for this variant to ClinVar. Based on the evidence outlined above, the variant was classified as likely pathogenic.

Literature cited by the submitters: PubMed 37252892.